The following is an entry in ClinVar:

NM_007294.4(BRCA1):c.224_227del (p.Glu75fs)

Gene: BRCA1 (BRCA1 DNA repair associated; minus strand). Cytogenetic location: 17q21.31.
Variant type: Deletion.
Coding change: c.224_227del on transcript NM_007294.4 (MANE Select); coding-DNA positions 224 to 227, 4 bases deleted (AAAG; older notation c.224_227delAAAG).
Protein change: p.Glu75fs; shifts the reading frame from glutamic acid 75.
Molecular consequence: frameshift variant. On other transcripts: non-coding transcript variant (1).
Genome position (GRCh38, 1-based): chr17:43,104,942-43,104,945, CTTT deleted on the plus strand (AAAG on the coding strand, the reverse complement: BRCA1 is on the minus strand); deleting any 4 consecutive bases within chr17:43,104,942-43,104,948 gives the same sequence; the c. name uses the placement nearest the transcript's 3' end. VCF-style (leftmost placement, unchanged base first): chr17-43104941-ACTTT-A. GRCh37 (hg19) VCF-style: chr17-41256958-ACTTT-A.
Other names: 343del4; c.224_227delAAAG (NM_007294.3); c.80_83delAAGA, p.Glu28Valfs (NM_001407732.1, NM_001407733.1, NM_001407734.1 and 98 more transcripts); c.11_14delAAGA, p.Glu5Valfs (NM_001407853.1, NM_001407879.1, NM_001407881.1 and 58 more transcripts); c.221_224delAAGA, p.Glu75Valfs (NM_001407854.1, NM_001407858.1, NM_001407859.1 and 166 more transcripts); c.143_146delAAGA, p.Glu49Valfs (NM_001407862.1, NM_001407874.1, NM_001407875.1 and 21 more transcripts); c.-161_-158delAAGA (NM_001407959.1, NM_001407960.1, NM_001407962.1 and 4 more transcripts); c.89_92delAAGA, p.Glu31Valfs (NM_001408451.1); and 2 more; short protein forms E28fs, E75fs.
Identifiers: ClinVar variation 54514 (VCV000054514.18), dbSNP rs80357697, ClinGen allele CA001501.

ClinVar aggregate classification (germline): Pathogenic. Review status: reviewed by expert panel (3 of 4 stars). 5 submissions from 5 submitters: Pathogenic (1). 4 of the submissions do not count toward it. Last evaluated 2016-09-08.

Conditions:
Hereditary cancer-predisposing syndrome. Also called: Tumor predisposition; Neoplastic Syndromes, Hereditary; Hereditary Cancer Syndrome; Hereditary neoplastic syndrome. Identifiers: Orphanet 140162, MedGen C0027672, MeSH D009386, MONDO:0015356.
Hereditary breast ovarian cancer syndrome. Also called: Hereditary breast and ovarian cancer syndrome (HBOC); Hereditary breast and ovarian cancer syndrome; Hereditary breast and ovarian cancer; Hereditary breast and/or ovarian cancer syndrome; Breast and ovarian cancer; BRCA1- and BRCA2-Associated Hereditary Breast and Ovarian Cancer. Identifiers: Orphanet 145, MedGen C0677776, MeSH D061325, MONDO:0003582. Disease mechanism: loss of function.
Breast-ovarian cancer, familial, susceptibility to, 1 (BROVCA1). Also called: OVARIAN CANCER, SUSCEPTIBILITY TO; BRCA1 Hereditary Breast and Ovarian Cancer. Identifiers: Orphanet 145, MedGen C2676676, MONDO:0011450, OMIM 604370. Disease mechanism: loss of function.

Submissions (5):

Evidence-based Network for the Interpretation of Germline Mutant Alleles (ENIGMA)
Classification: Pathogenic for Breast-ovarian cancer, familial, susceptibility to, 1. Last evaluated: 2016-09-08. Review status: reviewed by expert panel. Criteria: ENIGMA BRCA1/2 Classification Criteria (2015). Collection method: curation. Allele origin: germline.
Comment: Variant allele predicted to encode a truncated non-functional protein.

Labcorp Genetics (formerly Invitae), Labcorp
Classification: Pathogenic for Hereditary breast ovarian cancer syndrome. Last evaluated: 2020-07-09. Review status: criteria provided, single submitter. Criteria: Invitae Variant Classification Sherloc (09022015). Collection method: clinical testing. Allele origin: germline. Not counted in ClinVar's aggregate classification.
Comment: This variant has been observed in individual(s) with breast or ovarian cancer (PMID: 31488070, 30014164). ClinVar contains an entry for this variant (Variation ID: 54514). For these reasons, this variant has been classified as Pathogenic. Loss-of-function variants in BRCA1 are known to be pathogenic (PMID: 20104584). Algorithms developed to predict the effect of sequence changes on RNA splicing suggest that this variant may create or strengthen a splice site, but this prediction has not been confirmed by published transcriptional studies. This variant is not present in population databases (ExAC no frequency). This sequence change creates a premature translational stop signal (p.Glu75Valfs*12) in the BRCA1 gene. It is expected to result in an absent or disrupted protein product.

GeneKor MSA
Classification: Pathogenic for Breast-ovarian cancer, familial 1. Last evaluated: 2020-01-01. Review status: criteria provided, single submitter. Criteria: ACMG Guidelines, 2015. Collection method: clinical testing. Allele origin: germline. Affected: yes. Not counted in ClinVar's aggregate classification.
Comment: This is a deletion of 4 base pairs from exon 5 of the BRCA1 mRNA (c.224_227delAAAG), causing a frameshift at codon 653. This deletion creates a premature translation stop signal 12 amino acid residues later (p.(Glu75Valfs*12).) and is expected to result in an absent or disrupted protein product. The mutation database ClinVar contains entries for this variant (Variation ID: 54514).

Ambry Genetics
Classification: Pathogenic for Hereditary cancer-predisposing syndrome. Last evaluated: 2019-09-25. Review status: criteria provided, single submitter. Criteria: Ambry Variant Classification Scheme 2023. Collection method: clinical testing. Allele origin: germline. Not counted in ClinVar's aggregate classification.
Comment: The c.224_227delAAAG pathogenic mutation, located in coding exon 4 of the BRCA1 gene, results from a deletion of 4 nucleotides at nucleotide positions 224 to 227, causing a translational frameshift with a predicted alternate stop codon (p.E75Vfs*12). This alteration has been reported in women diagnosed with breast and/or ovarian cancer referred for BRCA mutation testing (Farra C et al. BMC Med. Genet., 2019 Sep;20:154; Laitman Y et al. Hum. Mutat., 2019 Jun). Of note, this alteration may also be designated as 343del4. In addition to the clinical data presented in the literature, this alteration is expected to result in loss of function by premature protein truncation or nonsense-mediated mRNA decay. As such, this alteration is interpreted as a disease-causing mutation.

Breast Cancer Information Core (BIC) (BRCA1)
Classification: Pathogenic for Breast-ovarian cancer, familial 1. Last evaluated: 2000-06-12. Review status: no assertion criteria provided. Collection method: clinical testing. Allele origin: germline. Affected: yes. Observed: 2 variant alleles. Not counted in ClinVar's aggregate classification.

Literature cited by the submitters: PubMed 31488070 (cited by Labcorp Genetics (formerly Invitae), Labcorp and Ambry Genetics); PubMed 30014164 (cited by Labcorp Genetics (formerly Invitae), Labcorp); PubMed 20104584 (cited by Labcorp Genetics (formerly Invitae), Labcorp); PubMed 31209999 (cited by Ambry Genetics).